The following is an entry in ClinVar:

ClinVar aggregate classification (germline): Uncertain significance. Review status: criteria provided, multiple submitters, no conflicts (2 of 4 stars). 5 submissions from 5 submitters: Uncertain significance (5). Last evaluated 2025-09-09.

Conditions:
SAMD9L-related disorder. Also called: SAMD9L-related disorders; SAMD9L-related condition.
Inborn genetic diseases. Identifiers: MedGen C0950123, MeSH D030342.

Allele frequency attached by ClinVar (database versions not stated): gnomAD exomes 0.00001 and 0.00002; ExAC 0.00004; gnomAD 0.00009 and 0.00010; TOPMed 0.00009; ESP Exome Variant Server 0.00023.

Submissions (5):

Ambry Genetics
Classification: Uncertain significance for Inborn genetic diseases. Last evaluated: 2025-09-09. Review status: criteria provided, single submitter. Criteria: Ambry Variant Classification Scheme 2023. Collection method: clinical testing. Allele origin: germline.

PreventionGenetics, part of Exact Sciences
Classification: Uncertain significance for SAMD9L-related condition. Last evaluated: 2025-02-10. Review status: criteria provided, single submitter. Criteria: ACMG Guidelines, 2015. Collection method: clinical testing. Allele origin: germline.
Comment: The SAMD9L c.515A>G variant is predicted to result in the amino acid substitution p.His172Arg. To our knowledge, this variant has not been reported in the literature. This variant is reported in 0.032% of alleles in individuals of African descent in gnomAD and is interpreted as uncertain in ClinVar. At this time, the clinical significance of this variant is uncertain due to the absence of conclusive functional and genetic evidence.

Labcorp Genetics (formerly Invitae), Labcorp
Classification: Uncertain significance. Last evaluated: 2025-01-08. Review status: criteria provided, single submitter. Criteria: Invitae Variant Classification Sherloc (09022015). Collection method: clinical testing. Allele origin: germline.
Comment: This sequence change replaces histidine, which is basic and polar, with arginine, which is basic and polar, at codon 172 of the SAMD9L protein (p.His172Arg). This variant is present in population databases (rs371691758, gnomAD 0.04%). This variant has not been reported in the literature in individuals affected with SAMD9L-related conditions. ClinVar contains an entry for this variant (Variation ID: 1334868). An algorithm developed to predict the effect of missense changes on protein structure and function (PolyPhen-2) suggests that this variant is likely to be disruptive. In summary, the available evidence is currently insufficient to determine the role of this variant in disease. Therefore, it has been classified as a Variant of Uncertain Significance.

GeneDx
Classification: Uncertain significance. Last evaluated: 2022-09-15. Review status: criteria provided, single submitter. Criteria: GeneDx Variant Classification Process June 2021. Collection method: clinical testing. Allele origin: germline. Affected: yes.
Comment: In silico analysis supports that this missense variant does not alter protein structure/function; Has not been previously published as pathogenic or benign to our knowledge

Genetic Services Laboratory, University of Chicago
Classification: Uncertain significance. Last evaluated: 2020-08-13. Review status: criteria provided, single submitter. Criteria: ACMG Guidelines, 2015. Collection method: clinical testing. Allele origin: germline. Affected: no.

NM_152703.5(SAMD9L):c.515A>G (p.His172Arg)

Gene: SAMD9L (sterile alpha motif domain containing 9 like; minus strand). Cytogenetic location: 7q21.2.
Variant type: single nucleotide variant.
Coding change: c.515A>G on transcript NM_152703.5 (MANE Select); coding-DNA position 515, A replaced by G.
Protein change: p.His172Arg; replaces histidine 172 with arginine.
Molecular consequence: missense variant.
Genome position (GRCh38, 1-based): chr7:93,135,457, T>C on the plus strand (A>G on the coding strand, the complement: SAMD9L is on the minus strand). VCF-style: chr7-93135457-T-C. GRCh37 (hg19) VCF-style: chr7-92764770-T-C.
Other names: c.515A>G (NM_152703.3); c.515A>G, p.His172Arg (NM_001303496.3, NM_001303497.3, NM_001303498.3 and 5 more transcripts); short protein forms H172R.
Identifiers: ClinVar variation 1334868 (VCV001334868.18), dbSNP rs371691758, ClinGen allele CA4343859.